The following is an entry in ClinVar:

NM_031220.4(PITPNM3):c.184G>A (p.Val62Met)

Gene: PITPNM3 (PITPNM family member 3; minus strand). Cytogenetic location: 17p13.1.
Variant type: single nucleotide variant.
Coding change: c.184G>A on transcript NM_031220.4 (MANE Select); coding-DNA position 184, G replaced by A.
Protein change: p.Val62Met; replaces valine 62 with methionine.
Molecular consequence: missense variant. On other transcripts: intron variant (1).
Genome position (GRCh38, 1-based): chr17:6,525,398, C>T on the plus strand (G>A on the coding strand, the complement: PITPNM3 is on the minus strand). VCF-style: chr17-6525398-C-T. GRCh37 (hg19) VCF-style: chr17-6428718-C-T.
Other names: c.118+12589G>A (NM_001165966.2); c.184G>A (NM_031220.3); short protein forms V62M.
Identifiers: ClinVar variation 1106458 (VCV001106458.13), dbSNP rs199586869, ClinGen allele CA8329933.

ClinVar aggregate classification (germline): Likely benign. Review status: criteria provided, multiple submitters, no conflicts (2 of 4 stars). 3 submissions from 3 submitters: Likely benign (2). 1 of the submissions does not count toward it. Last evaluated 2024-06-17.

Conditions:
PITPNM3-related disorder. Also called: PITPNM3-related condition.

Allele frequency attached by ClinVar (database versions not stated): TOPMed 0.00003; ExAC 0.00016; gnomAD exomes 0.00021 and 0.00012; gnomAD 0.00013.

Submissions (3):

Blueprint Genetics
Classification: Likely benign. Last evaluated: 2024-06-17. Review status: criteria provided, single submitter. Criteria: ACMG Guidelines, 2015. Collection method: clinical testing. Allele origin: germline.

Labcorp Genetics (formerly Invitae), Labcorp
Classification: Likely benign. Last evaluated: 2023-08-02. Review status: criteria provided, single submitter. Criteria: Invitae Variant Classification Sherloc (09022015). Collection method: clinical testing. Allele origin: germline.

PreventionGenetics, part of Exact Sciences
Classification: Likely benign for PITPNM3-related condition. Last evaluated: 2019-07-01. Review status: no assertion criteria provided. Collection method: clinical testing. Allele origin: germline. Not counted in ClinVar's aggregate classification.
Comment: This variant is classified as likely benign based on ACMG/AMP sequence variant interpretation guidelines (Richards et al. 2015 PMID: 25741868, with internal and published modifications).